The following is an entry in ClinVar:

ClinVar aggregate classification (germline): Uncertain significance (1 of 4 stars; one submission).

gnomAD v4.1: 3 of 1,586,274 alleles (0.00019%); highest among the groups gnomAD compares: South Asian, 0.0011%; no homozygotes.

Submission:

GeneDx
Classification: Uncertain significance. Last evaluated: 2024-06-12. Review status: criteria provided, single submitter. Criteria: GeneDx Variant Classification Process June 2021. Collection method: clinical testing. Allele origin: germline. Affected: yes.
Comment: Not observed at significant frequency in large population cohorts (gnomAD); In silico analysis supports that this missense variant has a deleterious effect on protein structure/function; Has not been previously published as pathogenic or benign to our knowledge

NM_001042545.2(LTBP4):c.1666C>T (p.Arg556Trp)

Gene: LTBP4 (latent transforming growth factor beta binding protein 4; plus strand). Cytogenetic location: 19q13.2.
Variant type: single nucleotide variant.
Coding change: c.1666C>T on transcript NM_001042545.2 (MANE Select); coding-DNA position 1666, C replaced by T.
Protein change: p.Arg556Trp; replaces arginine 556 with tryptophan.
Molecular consequence: missense variant.
Genome position (GRCh38, 1-based): chr19:40,609,853, C>T. VCF-style: chr19-40609853-C-T. GRCh37 (hg19) VCF-style: chr19-41115759-C-T.
Other names: c.1867C>T, p.Arg623Trp (NM_001042544.1); c.1756C>T, p.Arg586Trp (NM_003573.2); short protein forms R556W, R586W, R623W.
Identifiers: ClinVar variation 3390464 (VCV003390464.1).